The following is an entry in ClinVar:

NM_020791.4(TAOK1):c.252A>C (p.Lys84Asn)

Gene: TAOK1 (TAO kinase 1; plus strand). Cytogenetic location: 17q11.2.
Variant type: single nucleotide variant.
Coding change: c.252A>C on transcript NM_020791.4 (MANE Select); coding-DNA position 252, A replaced by C.
Protein change: p.Lys84Asn; replaces lysine 84 with asparagine.
Molecular consequence: missense variant.
Genome position (GRCh38, 1-based): chr17:29,475,717, A>C. VCF-style: chr17-29475717-A-C. GRCh37 (hg19) VCF-style: chr17-27802735-A-C.
Other names: c.252A>C, p.Lys84Asn (NM_025142.1); short protein forms K84N.
Identifiers: ClinVar variation 4527764 (VCV004527764.2).

ClinVar aggregate classification (germline): Uncertain significance (1 of 4 stars; one submission).

Submission:

GeneDx
Classification: Uncertain significance. Last evaluated: 2026-02-01. Review status: criteria provided, single submitter. Criteria: GeneDx Variant Classification Process June 2021. Collection method: clinical testing. Allele origin: germline.
Comment: Not observed at significant frequency in large population cohorts (gnomAD); In silico analysis suggests that this missense variant does not alter protein structure/function; Has not been previously published as pathogenic or benign to our knowledge